The following is an entry in ClinVar:

ClinVar aggregate classification (germline): Uncertain significance (1 of 4 stars; one submission).

Conditions:
Cystic fibrosis (CF). Also called: MUCOVISCIDOSIS. Identifiers: Orphanet 586, MedGen C0010674, MONDO:0009061, OMIM 219700. Disease mechanism: loss of function.

Submission:

Ambry Genetics
Classification: Uncertain significance for Cystic fibrosis. Last evaluated: 2021-07-31. Review status: criteria provided, single submitter. Criteria: Ambry Variant Classification Scheme 2023. Collection method: clinical testing. Allele origin: germline.
Comment: The p.V843E variant (also known as c.2528T>A), located in coding exon 15 of the CFTR gene, results from a T to A substitution at nucleotide position 2528. The valine at codon 843 is replaced by glutamic acid, an amino acid with dissimilar properties. This amino acid position is conserved. In addition, this alteration is predicted to be deleterious by in silico analysis. Since supporting evidence is limited at this time, the clinical significance of this alteration remains unclear.

NM_000492.4(CFTR):c.2528T>A (p.Val843Glu)

Gene: CFTR (CF transmembrane conductance regulator; plus strand). Cytogenetic location: 7q31.2.
Variant type: single nucleotide variant.
Coding change: c.2528T>A on transcript NM_000492.4 (MANE Select); coding-DNA position 2528, T replaced by A.
Protein change: p.Val843Glu; replaces valine 843 with glutamic acid.
Molecular consequence: missense variant.
Genome position (GRCh38, 1-based): chr7:117,594,967, T>A. VCF-style: chr7-117594967-T-A. GRCh37 (hg19) VCF-style: chr7-117235021-T-A.
Other names: short protein forms V843E.
Identifiers: ClinVar variation 1792623 (VCV001792623.2), dbSNP rs2485113736, ClinGen allele CA368983894.